The following is an entry in ClinVar:

ClinVar aggregate classification (germline): Uncertain significance (1 of 4 stars; one submission).

Submission:

Women's Health and Genetics/Laboratory Corporation of America, LabCorp
Classification: Uncertain significance. Last evaluated: 2025-02-18. Review status: criteria provided, single submitter. Criteria: LabCorp Variant Classification Summary - May 2015. Collection method: clinical testing. Allele origin: germline.
Comment: Variant summary: The variant involves the duplication of exons 1-21 in the BRCA1 gene. The exact breakpoint at the 5' end of this variant is unknown, therefore this duplication may extend upstream of the annotated region of this gene. It is predicted to duplicate a segment including the initiation codon, therefore its impact on the encoded protein is unknown. A presumed nomenclature of c.(?_-114)_(5406+1_5407-1)dup has been designated for the purposes of this classification. The variant was absent in 21694 control chromosomes (gnomAD). The available data on variant occurrences in the general population are insufficient to allow any conclusion about variant significance. To our knowledge, no occurrence of c.(?_-114)_(5406+1_5407-1)dup in individuals affected with Hereditary Breast And Ovarian Cancer Syndrome and no experimental evidence demonstrating its impact on protein function have been reported. ClinVar contains an entry for this variant (Variation ID: 583577). Based on the evidence outlined above, the variant was classified as uncertain significance.

NC_000017.10:g.(41199721_41201137)_(41277382_?)dup

Gene: BRCA1 (BRCA1 DNA repair associated; minus strand). Cytogenetic location: 17q21.31.
Variant type: Duplication.
Identifiers: ClinVar variation 2682578 (VCV002682578.2).